The following is an entry in ClinVar:

NM_001184.4(ATR):c.6097C>G (p.Pro2033Ala)

Genes: ATR (ATR checkpoint kinase; minus strand), LOC126806830 (BRD4-independent group 4 enhancer GRCh37_chr3:142203676-142204875; plus strand). Cytogenetic location: 3q23.
Variant type: single nucleotide variant.
Coding change: c.6097C>G on transcript NM_001184.4 (MANE Select); coding-DNA position 6097, C replaced by G.
Protein change: p.Pro2033Ala; replaces proline 2033 with alanine.
Molecular consequence: missense variant.
Genome position (GRCh38, 1-based): chr3:142,485,264, G>C on the plus strand (C>G on the coding strand, the complement: ATR is on the minus strand). VCF-style: chr3-142485264-G-C. GRCh37 (hg19) VCF-style: chr3-142204106-G-C.
Other names: c.5905C>G, p.Pro1969Ala (NM_001354579.2); short protein forms P1969A, P2033A.
Identifiers: ClinVar variation 1751533 (VCV001751533.2), dbSNP rs746541119, ClinGen allele CA2649408.

ClinVar aggregate classification (germline): Uncertain significance (1 of 4 stars; one submission).

Conditions:
Inborn genetic diseases. Identifiers: MedGen C0950123, MeSH D030342.

Allele frequency attached by ClinVar (database versions not stated): gnomAD exomes below 0.00001; ExAC 0.00001.
gnomAD v4.1: 5 of 1,613,940 alleles (0.00031%); highest among the groups gnomAD compares: Non-Finnish European, 0.00034%; no homozygotes.

Submission:

Ambry Genetics
Classification: Uncertain significance for Inborn genetic diseases. Last evaluated: 2022-10-27. Review status: criteria provided, single submitter. Criteria: Ambry Variant Classification Scheme 2023. Collection method: clinical testing. Allele origin: germline.
Comment: The p.P2033A variant (also known as c.6097C>G), located in coding exon 36 of the ATR gene, results from a C to G substitution at nucleotide position 6097. The proline at codon 2033 is replaced by alanine, an amino acid with highly similar properties. This amino acid position is conserved. In addition, the in silico prediction for this alteration is inconclusive. Since supporting evidence is limited at this time, the clinical significance of this alteration remains unclear.